The following is an entry in ClinVar:

NM_001972.4(ELANE):c.664G>T (p.Gly222Cys)

Gene: ELANE (elastase, neutrophil expressed; plus strand). Cytogenetic location: 19p13.3.
Variant type: single nucleotide variant.
Coding change: c.664G>T on transcript NM_001972.4 (MANE Select); coding-DNA position 664, G replaced by T.
Protein change: p.Gly222Cys; replaces glycine 222 with cysteine.
Molecular consequence: missense variant.
Genome position (GRCh38, 1-based): chr19:856,024, G>T. VCF-style: chr19-856024-G-T. GRCh37 (hg19) VCF-style: chr19-856024-G-T.
Other names: c.664G>T (NM_001972.2); short protein forms G222C.
Identifiers: ClinVar variation 1520875 (VCV001520875.9), dbSNP rs2145149692, ClinGen allele CA402919076.

ClinVar aggregate classification (germline): Uncertain significance. Review status: criteria provided, multiple submitters, no conflicts (2 of 4 stars). 2 submissions from 2 submitters: Uncertain significance (2). Last evaluated 2025-10-10.

Conditions:
Cyclical neutropenia. Also called: Cyclic hematopoiesis; Cyclic Neutropenia. Identifiers: Orphanet 2686, MedGen C0221023, MONDO:0008090, OMIM 162800, HP:0040289. Disease mechanism: loss of function.
Neutropenia, severe congenital, 1, autosomal dominant. Identifiers: MedGen C1859966, MONDO:0042490, OMIM 202700.
Inborn genetic diseases. Identifiers: MedGen C0950123, MeSH D030342.

Submissions (2):

Ambry Genetics
Classification: Uncertain significance for Inborn genetic diseases. Last evaluated: 2025-10-10. Review status: criteria provided, single submitter. Criteria: Ambry Variant Classification Scheme 2023. Collection method: clinical testing. Allele origin: germline.
Comment: The p.G222C variant (also known as c.664G>T), located in coding exon 5 of the ELANE gene, results from a G to T substitution at nucleotide position 664. The glycine at codon 222 is replaced by cysteine, an amino acid with highly dissimilar properties. This amino acid position is conserved. In addition, the in silico prediction for this alteration is inconclusive. Based on the available evidence, the clinical significance of this variant remains unclear.

Labcorp Genetics (formerly Invitae), Labcorp
Classification: Uncertain significance for Neutropenia, severe congenital, 1, autosomal dominant; Cyclical neutropenia. Last evaluated: 2022-07-05. Review status: criteria provided, single submitter. Criteria: Invitae Variant Classification Sherloc (09022015). Collection method: clinical testing. Allele origin: germline.
Comment: In summary, the available evidence is currently insufficient to determine the role of this variant in disease. Therefore, it has been classified as a Variant of Uncertain Significance. Algorithms developed to predict the effect of missense changes on protein structure and function (SIFT, PolyPhen-2, Align-GVGD) all suggest that this variant is likely to be disruptive. ClinVar contains an entry for this variant (Variation ID: 1520875). This variant has not been reported in the literature in individuals affected with ELANE-related conditions. This variant is not present in population databases (gnomAD no frequency). This sequence change replaces glycine, which is neutral and non-polar, with cysteine, which is neutral and slightly polar, at codon 222 of the ELANE protein (p.Gly222Cys).